The following is an entry in ClinVar:

ClinVar aggregate classification (germline): Uncertain significance. Review status: criteria provided, multiple submitters, no conflicts (2 of 4 stars). 2 submissions from 2 submitters: Uncertain significance (2). Last evaluated 2023-10-13.

Conditions:
Desbuquois dysplasia 1 (DBQD1). Also called: MICROMELIC DWARFISM WITH VERTEBRAL AND METAPHYSEAL ABNORMALITIES AND ADVANCED CARPOTARSAL OSSIFICATION; DESBUQUOIS DYSPLASIA 1, KIM VARIANT. Identifiers: Orphanet 1425, MedGen C4012146, MONDO:0009629, OMIM 251450.
Inborn genetic diseases. Identifiers: MedGen C0950123, MeSH D030342.

Allele frequency attached by ClinVar (database versions not stated): gnomAD exomes 0.00002 and 0.00005; ExAC 0.00008; ESP Exome Variant Server 0.00008; gnomAD 0.00030 and 0.00033; TOPMed 0.00037.
gnomAD v4.1: 77 of 1,609,210 alleles (0.0048%); highest among the groups gnomAD compares: African/African-American, 0.087%; no homozygotes.

Submissions (2):

Labcorp Genetics (formerly Invitae), Labcorp
Classification: Uncertain significance for Desbuquois dysplasia 1. Last evaluated: 2023-10-13. Review status: criteria provided, single submitter. Criteria: Invitae Variant Classification Sherloc (09022015). Collection method: clinical testing. Allele origin: germline.
Comment: This sequence change falls in intron 8 of the XYLT1 gene. It does not directly change the encoded amino acid sequence of the XYLT1 protein. It affects a nucleotide within the consensus splice site. This variant is present in population databases (rs147978944, gnomAD 0.09%). This variant has not been reported in the literature in individuals affected with XYLT1-related conditions. ClinVar contains an entry for this variant (Variation ID: 1025388). Variants that disrupt the consensus splice site are a relatively common cause of aberrant splicing (PMID: 17576681, 9536098). Algorithms developed to predict the effect of sequence changes on RNA splicing suggest that this variant is not likely to affect RNA splicing. In summary, the available evidence is currently insufficient to determine the role of this variant in disease. Therefore, it has been classified as a Variant of Uncertain Significance.

Ambry Genetics
Classification: Uncertain significance for Inborn genetic diseases. Last evaluated: 2021-02-19. Review status: criteria provided, single submitter. Criteria: Ambry Variant Classification Scheme 2023. Collection method: clinical testing. Allele origin: germline.
Comment: The c.1764+3G>A intronic alteration consists of a G to A substitution nucleotides after coding exon 8 in the XYLT1 gene. Based on data from the Genome Aggregation Database (gnomAD) database, the XYLT1 c.1764+3G>A alteration was observed in 0.01% (21/282290) of total alleles studied, with a frequency of 0.08% (21/24962) in the African subpopulation. This nucleotide position is not well conserved in available vertebrate species. In silico splice site analysis predicts that this alteration will not have any significant effect on splicing. Based on insufficient or conflicting evidence, the clinical significance of this alteration remains unclear.

Literature cited by the submitters: PubMed 17576681 (cited by Labcorp Genetics (formerly Invitae), Labcorp); PubMed 9536098 (cited by Labcorp Genetics (formerly Invitae), Labcorp).

NM_022166.4(XYLT1):c.1764+3G>A

Genes: XYLT1 (xylosyltransferase 1; minus strand), LOC102723692 (uncharacterized LOC102723692; plus strand). Cytogenetic location: 16p12.3.
Variant type: single nucleotide variant.
Coding change: c.1764+3G>A on transcript NM_022166.4 (MANE Select); 3 bases into the intron after coding-DNA position 1764, G replaced by A.
Molecular consequence: intron variant. On other transcripts: non-coding transcript variant (1).
Genome position (GRCh38, 1-based): chr16:17,138,352, C>T on the plus strand (G>A on the coding strand, the complement: XYLT1 is on the minus strand). VCF-style: chr16-17138352-C-T. GRCh37 (hg19) VCF-style: chr16-17232209-C-T.
Other names: c.1764+3G>A (NM_022166.3).
Identifiers: ClinVar variation 1025388 (VCV001025388.5), dbSNP rs147978944, ClinGen allele CA7927798.